The following is an entry in ClinVar:

ClinVar aggregate classification (germline): Uncertain significance. Review status: criteria provided, multiple submitters, no conflicts (2 of 4 stars). 3 submissions from 3 submitters: Uncertain significance (3). Last evaluated 2025-08-01.

Conditions:
Inborn genetic diseases. Identifiers: MedGen C0950123, MeSH D030342.

Allele frequency attached by ClinVar (database versions not stated): gnomAD exomes below 0.00001; TOPMed below 0.00001; ExAC 0.00001; gnomAD 0.00001.
gnomAD v4.1: 6 of 1,613,912 alleles (0.00037%); highest among the groups gnomAD compares: Non-Finnish European, 0.00051%; no homozygotes.

Submissions (3):

Ambry Genetics
Classification: Uncertain significance for Inborn genetic diseases. Last evaluated: 2025-08-01. Review status: criteria provided, single submitter. Criteria: Ambry Variant Classification Scheme 2023. Collection method: clinical testing. Allele origin: germline.

Blueprint Genetics
Classification: Uncertain significance. Last evaluated: 2022-06-27. Review status: criteria provided, single submitter. Criteria: ACMG Guidelines, 2015. Collection method: clinical testing. Allele origin: germline.

Labcorp Genetics (formerly Invitae), Labcorp
Classification: Uncertain significance. Last evaluated: 2022-02-09. Review status: criteria provided, single submitter. Criteria: Invitae Variant Classification Sherloc (09022015). Collection method: clinical testing. Allele origin: germline.
Comment: The frequency data for this variant in the population databases is considered unreliable, as metrics indicate poor data quality at this position in the gnomAD database. This sequence change replaces glutamic acid, which is acidic and polar, with aspartic acid, which is acidic and polar, at codon 857 of the CNGB1 protein (p.Glu857Asp). This variant has not been reported in the literature in individuals affected with CNGB1-related conditions. In summary, the available evidence is currently insufficient to determine the role of this variant in disease. Therefore, it has been classified as a Variant of Uncertain Significance. Advanced modeling of protein sequence and biophysical properties (such as structural, functional, and spatial information, amino acid conservation, physicochemical variation, residue mobility, and thermodynamic stability) performed at Invitae indicates that this missense variant is expected to disrupt CNGB1 protein function. ClinVar contains an entry for this variant (Variation ID: 1021270).

NM_001297.5(CNGB1):c.2571A>C (p.Glu857Asp)

Gene: CNGB1 (cyclic nucleotide gated channel subunit beta 1; minus strand). Cytogenetic location: 16q21.
Variant type: single nucleotide variant.
Coding change: c.2571A>C on transcript NM_001297.5 (MANE Select); coding-DNA position 2571, A replaced by C.
Protein change: p.Glu857Asp; replaces glutamic acid 857 with aspartic acid.
Molecular consequence: missense variant.
Genome position (GRCh38, 1-based): chr16:57,904,797, T>G on the plus strand (A>C on the coding strand, the complement: CNGB1 is on the minus strand). VCF-style: chr16-57904797-T-G. GRCh37 (hg19) VCF-style: chr16-57938701-T-G.
Other names: c.2571A>C (NM_001297.4); c.2553A>C, p.Glu851Asp (NM_001286130.2); short protein forms E851D, E857D.
Identifiers: ClinVar variation 1021270 (VCV001021270.10), dbSNP rs764159018, ClinGen allele CA8082924.